The following is an entry in ClinVar:

ClinVar aggregate classification (germline): Uncertain significance (1 of 4 stars; one submission).

Conditions:
Kabuki syndrome. Also called: Kabuki make-up syndrome; NIIKAWA-KUROKI SYNDROME. Identifiers: Orphanet 2322, MedGen C0796004, MONDO:0016512.

Submission:

Labcorp Genetics (formerly Invitae), Labcorp
Classification: Uncertain significance for Kabuki syndrome. Last evaluated: 2022-09-19. Review status: criteria provided, single submitter. Criteria: Invitae Variant Classification Sherloc (09022015). Collection method: clinical testing. Allele origin: germline.
Comment: In summary, the available evidence is currently insufficient to determine the role of this variant in disease. Therefore, it has been classified as a Variant of Uncertain Significance. Advanced modeling of protein sequence and biophysical properties (such as structural, functional, and spatial information, amino acid conservation, physicochemical variation, residue mobility, and thermodynamic stability) performed at Invitae indicates that this missense variant is not expected to disrupt KMT2D protein function. This sequence change replaces serine, which is neutral and polar, with leucine, which is neutral and non-polar, at codon 3882 of the KMT2D protein (p.Ser3882Leu). This variant is not present in population databases (gnomAD no frequency). This variant has not been reported in the literature in individuals affected with KMT2D-related conditions. ClinVar contains an entry for this variant (Variation ID: 1497298).

NM_003482.4(KMT2D):c.11645C>T (p.Ser3882Leu)

Gene: KMT2D (lysine methyltransferase 2D; minus strand). Cytogenetic location: 12q13.12.
Variant type: single nucleotide variant.
Coding change: c.11645C>T on transcript NM_003482.4 (MANE Select); coding-DNA position 11645, C replaced by T.
Protein change: p.Ser3882Leu; replaces serine 3882 with leucine.
Molecular consequence: missense variant.
Genome position (GRCh38, 1-based): chr12:49,033,060, G>A on the plus strand (C>T on the coding strand, the complement: KMT2D is on the minus strand). VCF-style: chr12-49033060-G-A. GRCh37 (hg19) VCF-style: chr12-49426843-G-A.
Other names: short protein forms S3882L.
Identifiers: ClinVar variation 1497298 (VCV001497298.8), dbSNP rs2120438376, ClinGen allele CA384716948.